The following is an entry in ClinVar:

ClinVar aggregate classification (germline): Uncertain significance (1 of 4 stars; one submission).

Conditions:
Osteogenesis imperfecta type 8 (OI8). Identifiers: MedGen C1970458, MONDO:0012581, OMIM 610915.

Allele frequency attached by ClinVar (database versions not stated): TOPMed below 0.00001; ExAC 0.00001.
gnomAD v4.1: 1 of 1,614,168 alleles (0.000062%); highest among the groups gnomAD compares: Non-Finnish European, 0.000085%; no homozygotes.

Submission:

Labcorp Genetics (formerly Invitae), Labcorp
Classification: Uncertain significance for Osteogenesis imperfecta type 8. Last evaluated: 2022-04-30. Review status: criteria provided, single submitter. Criteria: Invitae Variant Classification Sherloc (09022015). Collection method: clinical testing. Allele origin: germline.
Comment: In summary, the available evidence is currently insufficient to determine the role of this variant in disease. Therefore, it has been classified as a Variant of Uncertain Significance. Algorithms developed to predict the effect of missense changes on protein structure and function are either unavailable or do not agree on the potential impact of this missense change (SIFT: "Deleterious"; PolyPhen-2: "Probably Damaging"; Align-GVGD: "Class C0"). This missense change has been observed in individual(s) with osteogenesis imperfecta (PMID: 32123938). This variant is present in population databases (rs746369830, gnomAD 0.0009%). This sequence change replaces cysteine, which is neutral and slightly polar, with tyrosine, which is neutral and polar, at codon 483 of the P3H1 protein (p.Cys483Tyr).

Literature cited by the submitters: PubMed 32123938.

NM_022356.4(P3H1):c.1448G>A (p.Cys483Tyr)

Gene: P3H1 (prolyl 3-hydroxylase 1; minus strand). Cytogenetic location: 1p34.2.
Variant type: single nucleotide variant.
Coding change: c.1448G>A on transcript NM_022356.4 (MANE Select); coding-DNA position 1448, G replaced by A.
Protein change: p.Cys483Tyr; replaces cysteine 483 with tyrosine.
Molecular consequence: missense variant.
Genome position (GRCh38, 1-based): chr1:42,752,562, C>T on the plus strand (G>A on the coding strand, the complement: P3H1 is on the minus strand). VCF-style: chr1-42752562-C-T. GRCh37 (hg19) VCF-style: chr1-43218233-C-T.
Other names: c.1448G>A, p.Cys483Tyr (NM_001146289.2, NM_001243246.2); short protein forms C483Y.
Identifiers: ClinVar variation 2027538 (VCV002027538.3), dbSNP rs746369830, ClinGen allele CA801844.